The following is an entry in ClinVar:

NM_001365951.3(KIF1B):c.4682G>C (p.Ser1561Thr)

Gene: KIF1B (kinesin family member 1B; plus strand). Cytogenetic location: 1p36.22.
Variant type: single nucleotide variant.
Coding change: c.4682G>C on transcript NM_001365951.3 (MANE Select); coding-DNA position 4682, G replaced by C.
Protein change: p.Ser1561Thr; replaces serine 1561 with threonine.
Molecular consequence: missense variant.
Genome position (GRCh38, 1-based): chr1:10,365,578, G>C. VCF-style: chr1-10365578-G-C. GRCh37 (hg19) VCF-style: chr1-10425636-G-C.
Other names: c.4682G>C, p.Ser1561Thr (NM_001365952.1); c.4544G>C, p.Ser1515Thr (NM_015074.3); short protein forms S1515T, S1561T.
Identifiers: ClinVar variation 1741382 (VCV001741382.3), dbSNP rs1228982466, ClinGen allele CA338322282.
Genomic context (GRCh38, chr1:10,365,578, plus strand): 5'-CCTCCACCAGTATCTCCTCTCAGATCTCAACCACTACCTTTGAAAGCGCCATCACACCTA[G>C]CGAGAGCAGTGGCTATGATTCAGGAGACATCGAAAGCCTGGTGGACCGAGAGAAAGAGCT-3'
Protein context (NP_001352880.1, residues 1551-1571): TTTFESAITP[Ser1561Thr]ESSGYDSGDI

ClinVar aggregate classification (germline): Uncertain significance (1 of 4 stars; one submission).

Allele frequency attached by ClinVar (database versions not stated): gnomAD exomes below 0.00001.
gnomAD v4.1: 5 of 1,614,008 alleles (0.00031%); highest among the groups gnomAD compares: South Asian, 0.0055%; no homozygotes.

Submission:

Ambry Genetics
Classification: Uncertain significance. Last evaluated: 2024-07-15. Review status: criteria provided, single submitter. Criteria: Ambry Variant Classification Scheme 2023. Collection method: clinical testing. Allele origin: germline.
Comment: The p.S1515T variant (also known as c.4544G>C), located in coding exon 40 of the KIF1B gene, results from a G to C substitution at nucleotide position 4544. The serine at codon 1515 is replaced by threonine, an amino acid with similar properties. This amino acid position is conserved. In addition, the in silico prediction for this alteration is inconclusive. Since supporting evidence is limited at this time, the clinical significance of this alteration remains unclear.